The following is an entry in ClinVar:

NM_020778.5(ALPK3):c.1279A>T (p.Arg427Trp)

Gene: ALPK3 (alpha kinase 3; plus strand). Cytogenetic location: 15q25.3.
Variant type: single nucleotide variant.
Coding change: c.1279A>T on transcript NM_020778.5 (MANE Select); coding-DNA position 1279, A replaced by T.
Protein change: p.Arg427Trp; replaces arginine 427 with tryptophan.
Molecular consequence: missense variant.
Genome position (GRCh38, 1-based): chr15:84,840,558, A>T. VCF-style: chr15-84840558-A-T. GRCh37 (hg19) VCF-style: chr15-85383789-A-T.
Other names: short protein forms R427W.
Identifiers: ClinVar variation 1367780 (VCV001367780.12), dbSNP rs771706498, ClinGen allele CA7709157.

ClinVar aggregate classification (germline): Uncertain significance. Review status: criteria provided, multiple submitters, no conflicts (2 of 4 stars). 4 submissions from 4 submitters: Uncertain significance (4). Last evaluated 2025-12-29.

Conditions:
ALPK3-related disorder. Also called: ALPK3-related condition.
Cardiovascular phenotype. Identifiers: MedGen CN230736.

Allele frequency attached by ClinVar (database versions not stated): TOPMed 0.00003; ExAC 0.00001; gnomAD 0.00003.
gnomAD v4.1: 62 of 1,590,298 alleles (0.0039%); highest among the groups gnomAD compares: Non-Finnish European, 0.005%; no homozygotes.

Submissions (4):

Labcorp Genetics (formerly Invitae), Labcorp
Classification: Uncertain significance. Last evaluated: 2025-12-29. Review status: criteria provided, single submitter. Criteria: Invitae Variant Classification Sherloc (09022015). Collection method: clinical testing. Allele origin: germline.
Comment: This sequence change replaces arginine, which is basic and polar, with tryptophan, which is neutral and slightly polar, at codon 629 of the ALPK3 protein (p.Arg629Trp). This variant is present in population databases (rs771706498, gnomAD 0.009%). This variant has not been reported in the literature in individuals affected with ALPK3-related conditions. ClinVar contains an entry for this variant (Variation ID: 1367780). Invitae Evidence Modeling of protein sequence and biophysical properties (such as structural, functional, and spatial information, amino acid conservation, physicochemical variation, residue mobility, and thermodynamic stability) indicates that this missense variant is expected to disrupt ALPK3 protein function with a positive predictive value of 80%. In summary, the available evidence is currently insufficient to determine the role of this variant in disease. Therefore, it has been classified as a Variant of Uncertain Significance.

PreventionGenetics, part of Exact Sciences
Classification: Uncertain significance for ALPK3-related condition. Last evaluated: 2025-12-03. Review status: criteria provided, single submitter. Criteria: ACMG Guidelines, 2015. Collection method: clinical testing. Allele origin: germline.
Comment: The ALPK3 c.1885A>T variant is predicted to result in the amino acid substitution p.Arg629Trp. To our knowledge, this variant has not been reported in the literature. This variant is reported in 0.0082% of alleles in individuals of African descent in gnomAD. At this time, the clinical significance of this variant is uncertain due to the absence of conclusive functional and genetic evidence.

GeneDx
Classification: Uncertain significance. Last evaluated: 2025-07-23. Review status: criteria provided, single submitter. Criteria: GeneDx Variant Classification Process June 2021. Collection method: clinical testing. Allele origin: germline. Affected: yes.
Comment: Not observed at significant frequency in large population cohorts (gnomAD); In silico analysis supports that this missense variant has a deleterious effect on protein structure/function; Has not been previously published as pathogenic or benign to our knowledge

Ambry Genetics
Classification: Uncertain significance for Cardiovascular phenotype. Last evaluated: 2025-07-03. Review status: criteria provided, single submitter. Criteria: Ambry Variant Classification Scheme 2023. Collection method: clinical testing. Allele origin: germline.
Comment: The p.R629W variant (also known as c.1885A>T), located in coding exon 5 of the ALPK3 gene, results from an A to T substitution at nucleotide position 1885. The arginine at codon 629 is replaced by tryptophan, an amino acid with dissimilar properties. This amino acid position is not well conserved in available vertebrate species. In addition, this alteration is predicted to be tolerated by in silico analysis. Based on the available evidence, the clinical significance of this variant remains unclear.